The following is an entry in ClinVar:

ClinVar aggregate classification (germline): Uncertain significance (1 of 4 stars; one submission).

Allele frequency attached by ClinVar (database versions not stated): ExAC 0.00001; gnomAD exomes 0.00001.
gnomAD v4.1: 3 of 1,612,638 alleles (0.00019%); highest among the groups gnomAD compares: Admixed American, 0.005%; no homozygotes.

Submission:

Labcorp Genetics (formerly Invitae), Labcorp
Classification: Uncertain significance. Last evaluated: 2022-06-20. Review status: criteria provided, single submitter. Criteria: Invitae Variant Classification Sherloc (09022015). Collection method: clinical testing. Allele origin: germline.
Comment: In summary, the available evidence is currently insufficient to determine the role of this variant in disease. Therefore, it has been classified as a Variant of Uncertain Significance. Algorithms developed to predict the effect of missense changes on protein structure and function are either unavailable or do not agree on the potential impact of this missense change (SIFT: "Tolerated"; PolyPhen-2: "Probably Damaging"; Align-GVGD: "Class C0"). This variant has not been reported in the literature in individuals affected with MAST1-related conditions. This variant is present in population databases (rs760576324, gnomAD 0.006%). This sequence change replaces valine, which is neutral and non-polar, with alanine, which is neutral and non-polar, at codon 714 of the MAST1 protein (p.Val714Ala).

NM_014975.3(MAST1):c.2141T>C (p.Val714Ala)

Genes: MAST1 (microtubule associated serine/threonine kinase 1; plus strand), LOC112543452 (Sharpr-MPRA regulatory region 6054; plus strand). Cytogenetic location: 19p13.13.
Variant type: single nucleotide variant.
Coding change: c.2141T>C on transcript NM_014975.3 (MANE Select); coding-DNA position 2141, T replaced by C.
Protein change: p.Val714Ala; replaces valine 714 with alanine.
Molecular consequence: missense variant.
Genome position (GRCh38, 1-based): chr19:12,867,475, T>C. VCF-style: chr19-12867475-T-C. GRCh37 (hg19) VCF-style: chr19-12978289-T-C.
Other names: short protein forms V714A.
Identifiers: ClinVar variation 1973606 (VCV001973606.5), dbSNP rs760576324, ClinGen allele CA9233058.